The following is an entry in ClinVar:

NM_003482.4(KMT2D):c.6669A>G (p.Pro2223=)

Gene: KMT2D (lysine methyltransferase 2D; minus strand). Cytogenetic location: 12q13.12.
Variant type: single nucleotide variant.
Coding change: c.6669A>G on transcript NM_003482.4 (MANE Select); coding-DNA position 6669, A replaced by G.
Protein change: p.Pro2223=; no amino-acid change (proline 2223 retained).
Molecular consequence: synonymous variant.
Genome position (GRCh38, 1-based): chr12:49,041,101, T>C on the plus strand (A>G on the coding strand, the complement: KMT2D is on the minus strand). VCF-style: chr12-49041101-T-C. GRCh37 (hg19) VCF-style: chr12-49434884-T-C.
Identifiers: ClinVar variation 3624355 (VCV003624355.4).
Genomic context (GRCh38, chr12:49,041,101, plus strand): 5'-TGGGTCAGGTGTGGAGGGCTGGTGTCTGGGGGTGCCAGGTGGGGTAGTGTGGAATTCCCC[T>C]GGCTGGCCAGCCCCAGGACGAGATGAGGCGCCCAGCATCGGGGGCTGCGCAGGGGCCCCC-3'
Protein context (NP_003473.3, residues 2213-2233): GASSRPGAGQ[Pro2223=]GEFHTTPPGT

ClinVar aggregate classification (germline): Benign/Likely benign. Review status: criteria provided, multiple submitters, no conflicts (2 of 4 stars). 3 submissions from 3 submitters: Benign (1); Likely benign (2). Last evaluated 2024-10-17.

Conditions:
KMT2D-related disorder. Also called: KMT2D-Related Disorders.
Kabuki syndrome. Also called: Kabuki make-up syndrome; NIIKAWA-KUROKI SYNDROME. Identifiers: Orphanet 2322, MedGen C0796004, MONDO:0016512.

gnomAD v4.1: 6 of 1,531,502 alleles (0.00039%); highest among the groups gnomAD compares: South Asian, 0.0039%; no homozygotes.

Submissions (3):

PreventionGenetics, part of Exact Sciences
Classification: Likely benign for KMT2D-related condition. Last evaluated: 2024-10-17. Review status: criteria provided, single submitter. Criteria: ACMG Guidelines, 2015. Collection method: clinical testing. Allele origin: germline.
Comment: This variant is classified as likely benign based on ACMG/AMP sequence variant interpretation guidelines (Richards et al. 2015 PMID: 25741868, with internal and published modifications).

Labcorp Genetics (formerly Invitae), Labcorp
Classification: Benign for Kabuki syndrome. Last evaluated: 2024-03-02. Review status: criteria provided, single submitter. Criteria: Invitae Variant Classification Sherloc (09022015). Collection method: clinical testing. Allele origin: germline.

Blueprint Genetics
Classification: Likely benign. Last evaluated: 2023-02-23. Review status: criteria provided, single submitter. Criteria: ACMG Guidelines, 2015. Collection method: clinical testing. Allele origin: germline.